The following is an entry in ClinVar:

NM_001277115.2(DNAH11):c.3425+2T>A

Genes: DNAH11 (dynein axonemal heavy chain 11; plus strand), LOC126859961 (BRD4-independent group 4 enhancer GRCh37_chr7:21639662-21640861; plus strand). Cytogenetic location: 7p15.3.
Variant type: single nucleotide variant.
Coding change: c.3425+2T>A on transcript NM_001277115.2 (MANE Select); the canonical splice donor site of the intron after coding-DNA position 3425, T replaced by A.
Molecular consequence: splice donor variant.
Genome position (GRCh38, 1-based): chr7:21,601,181, T>A. VCF-style: chr7-21601181-T-A. GRCh37 (hg19) VCF-style: chr7-21640799-T-A.
Identifiers: ClinVar variation 2499481 (VCV002499481.1), dbSNP rs2534634175, ClinGen allele CA366946715.

ClinVar aggregate classification (germline): Likely pathogenic (1 of 4 stars; one submission).

Conditions:
Primary ciliary dyskinesia 7. Also called: CILIARY DYSKINESIA, PRIMARY, 7, WITH OR WITHOUT SITUS INVERSUS. Identifiers: Orphanet 244, MedGen C2678473, MONDO:0012748, OMIM 611884.

Submission:

Department of Human Genetics, Hannover Medical School
Classification: Likely pathogenic for Primary ciliary dyskinesia 7. Last evaluated: 2023-04-20. Review status: criteria provided, single submitter. Criteria: ACMG Guidelines, 2015. Collection method: clinical testing. Allele origin: germline. Affected: yes.
Comment: This variant is not yet known in the ClinVar and LOVD shared variant databases, in the gnomAD population database, or in the literature.